The following continues an entry in ClinVar:

NM_001048174.2(MUTYH):c.1336C>T (p.Arg446Cys)

Gene: MUTYH. ClinVar aggregate classification (germline): Uncertain significance. Uncertain significance (12).

Submissions 9 to 15 of 15:

Quest Diagnostics Nichols Institute San Juan Capistrano
Classification: Uncertain significance. Last evaluated: 2023-06-12. Review status: criteria provided, single submitter. Criteria: Quest Diagnostics criteria. Collection method: clinical testing. Allele origin: unknown.
Comment: In the published literature, this variant has been reported in individuals with colorectal cancer (PMID: 28135145 (2017), 28944238 (2017), 35668106 (2022)), and breast cancer (PMID: 32854451 (2020), 33471991 (2021), see also LOVD). This variant has also been reported in unaffected individuals (PMID: 30267214 (2018), 33471991 (2021), see also LOVD). The frequency of this variant in the general population, 0.00026 (3/11610 chromosomes (Genome Aggregation Database)), is uninformative in the assessment of its pathogenicity. Analysis of this variant using bioinformatics tools for the prediction of the effect of amino acid changes on protein structure and function yielded conflicting predictions that this variant is deleterious or benign. Based on the available information, we are unable to determine the clinical significance of this variant.

Women's Health and Genetics/Laboratory Corporation of America, LabCorp
Classification: Uncertain significance. Last evaluated: 2020-08-03. Review status: criteria provided, single submitter. Criteria: LabCorp Variant Classification Summary - May 2015. Collection method: clinical testing. Allele origin: germline.
Comment: Variant summary: MUTYH c.1420C>T (p.Arg474Cys) results in a non-conservative amino acid change located in the NUDIX hydrolase domain (IPR000086) and C-terminal domain (IPR029119) of the encoded protein sequence. Three of five in-silico tools predict a damaging effect of the variant on protein function. The variant allele was found at a frequency of 5.2e-05 in 251490 control chromosomes (gnomAD). This frequency is not significantly higher than expected for a pathogenic variant in MUTYH causing MUTYH-Associated Polyposis (5.2e-05 vs 0.0046), allowing no conclusion about variant significance. c.1420C>T has been reported in the literature in individuals affected with atherosclerosis, colorectal cancer and pancreatic ductal adenocarcinoma (Johnston_2012, Yurgelun_2017, Singhi_2019). These reports however, do not provide unequivocal conclusions about association of the variant with MUTYH-Associated Polyposis. To our knowledge, no experimental evidence demonstrating an impact on protein function has been reported. Seven other ClinVar submitters (evaluation after 2014) cite the variant as uncertain significance. Based on the evidence outlined above, the variant was classified as uncertain significance.

Fulgent Genetics
Classification: Uncertain significance for Pilomatrixoma; Familial adenomatous polyposis 2; Gastric cancer. Last evaluated: 2017-05-23. Review status: criteria provided, single submitter. Criteria: ACMG Guidelines, 2015. Collection method: clinical testing. Allele origin: unknown.

Laboratory of Medical Genetics Unit, Bambino Gesù Children's Hospital
Classification: Uncertain significance for Pilocytic astrocytoma. Review status: criteria provided, single submitter. Criteria: ACMG Guidelines, 2015. Collection method: research. Allele origin: germline. Affected: yes.
Comment: The variant NM_001048174.2 (MUTYH): c.1336C>T (p.Arg446Cys) - rs200229669. It is reported in GnomAD as very rare variant, and it is annotated in Clinvar as VUS for Hereditary Cancer Predisposition Syndrome [RCV000164389.15] and Familial adenomatous polyposis 2 [RCV000206141.20]. It is reported in the literature. Finally, the variant was classified as VUS, following the ACMG criteria (PM2).

Counsyl
Classification: Uncertain significance for Familial adenomatous polyposis 2. Last evaluated: 2015-12-10. Review status: no assertion criteria provided. Collection method: clinical testing. Allele origin: unknown. Not counted in ClinVar's aggregate classification.

Pathway Genomics
Classification: Uncertain significance for Carcinoma of colon. Last evaluated: 2014-07-24. Review status: no assertion criteria provided. Collection method: clinical testing. Allele origin: germline. Not counted in ClinVar's aggregate classification.

Biesecker Lab/Clinical Genomics Section, National Institutes of Health
Classification: Uncertain significance. Last evaluated: 2012-07-13. Review status: no assertion criteria provided. Collection method: research. Allele origin: germline. Affected: no. Observed: 1 variant allele. Study: ClinSeq. Not counted in ClinVar's aggregate classification.
ClinVar note: Converted during submission from variant of unknown significance to Uncertain significance.

Literature cited by the submitters: PubMed 28135145 (cited by 5 submitters); PubMed 32854451 (cited by 5 submitters); PubMed 35668106 (cited by 5 submitters); PubMed 30836094 (cited by 3 submitters); PubMed 28944238 (cited by Ambry Genetics and Quest Diagnostics Nichols Institute San Juan Capistrano); PubMed 30267214 (cited by Ambry Genetics and Quest Diagnostics Nichols Institute San Juan Capistrano); PubMed 27600092 (cited by Quest Diagnostics Nichols Institute San Juan Capistrano and Women's Health and Genetics/Laboratory Corporation of America, LabCorp); PubMed 22722201 (cited by Quest Diagnostics Nichols Institute San Juan Capistrano and Pathway Genomics); PubMed 33471991 (cited by Quest Diagnostics Nichols Institute San Juan Capistrano).